The following is an entry in ClinVar:

ClinVar aggregate classification (germline): Uncertain significance (1 of 4 stars; one submission).

gnomAD v4.1: 1 of 1,554,124 alleles (0.000064%); highest among the groups gnomAD compares: Non-Finnish European, 0.000087%; no homozygotes.

Submission:

Labcorp Genetics (formerly Invitae), Labcorp
Classification: Uncertain significance. Last evaluated: 2024-04-27. Review status: criteria provided, single submitter. Criteria: Invitae Variant Classification Sherloc (09022015). Collection method: clinical testing. Allele origin: germline.
Comment: This sequence change replaces glycine, which is neutral and non-polar, with aspartic acid, which is acidic and polar, at codon 1086 of the RAI1 protein (p.Gly1086Asp). The frequency data for this variant in the population databases is considered unreliable, as metrics indicate poor data quality at this position in the gnomAD database. This variant has not been reported in the literature in individuals affected with RAI1-related conditions. Advanced modeling of protein sequence and biophysical properties (such as structural, functional, and spatial information, amino acid conservation, physicochemical variation, residue mobility, and thermodynamic stability) performed at Invitae indicates that this missense variant is not expected to disrupt RAI1 protein function with a negative predictive value of 80%. In summary, the available evidence is currently insufficient to determine the role of this variant in disease. Therefore, it has been classified as a Variant of Uncertain Significance.

NM_030665.4(RAI1):c.3257G>A (p.Gly1086Asp)

Gene: RAI1 (retinoic acid induced 1; plus strand). Cytogenetic location: 17p11.2.
Variant type: single nucleotide variant.
Coding change: c.3257G>A on transcript NM_030665.4 (MANE Select); coding-DNA position 3257, G replaced by A.
Protein change: p.Gly1086Asp; replaces glycine 1086 with aspartic acid.
Molecular consequence: missense variant.
Genome position (GRCh38, 1-based): chr17:17,796,205, G>A. VCF-style: chr17-17796205-G-A. GRCh37 (hg19) VCF-style: chr17-17699519-G-A.
Other names: short protein forms G1086D.
Identifiers: ClinVar variation 2838291 (VCV002838291.3), dbSNP rs1208279115, ClinGen allele CA398553210.
Genomic context (GRCh38, chr17:17,796,205, plus strand): 5'-CCCGCACGCCCGGACCCCCAGGCCTGACCACCACCCCTGCACCCCCAGACAAACTGGGGG[G>A]CAAGCAGCGAGCCGCCTTCAAGTCGGGCAAGCGGGTGGGGAAGCCCTCACCCAAGGCTGC-3'
Protein context (NP_109590.3, residues 1076-1096): TTPAPPDKLG[Gly1086Asp]KQRAAFKSGK